The following is an entry in ClinVar:

NM_001270891.2(TRAPPC6A):c.168G>A (p.Thr56=)

Gene: TRAPPC6A (trafficking protein particle complex subunit 6A; minus strand). Cytogenetic location: 19q13.32.
Variant type: single nucleotide variant.
Coding change: c.168G>A on transcript NM_001270891.2 (MANE Select); coding-DNA position 168, G replaced by A.
Protein change: p.Thr56=; no amino-acid change (threonine 56 retained).
Molecular consequence: synonymous variant. On other transcripts: missense variant (2).
Genome position (GRCh38, 1-based): chr19:45,164,955, C>T on the plus strand (G>A on the coding strand, the complement: TRAPPC6A is on the minus strand). VCF-style: chr19-45164955-C-T. GRCh37 (hg19) VCF-style: chr19-45668213-C-T.
Other names: c.142G>A, p.Ala48Thr (NM_001270892.2); c.100G>A, p.Ala34Thr (NM_001270893.2); c.210G>A, p.Thr70= (NM_024108.3); short protein forms A34T, A48T.
Identifiers: ClinVar variation 3052230 (VCV003052230.2), dbSNP rs111563253, ClinGen allele CA9510060.

ClinVar aggregate classification (germline): Likely benign (0 of 4 stars; one submission).

Conditions:
TRAPPC6A-related disorder. Also called: TRAPPC6A-related condition.

gnomAD v4.1: 29 of 1,614,012 alleles (0.0018%); highest among the groups gnomAD compares: Admixed American, 0.035%; no homozygotes.

Submission:

PreventionGenetics, part of Exact Sciences
Classification: Likely benign for TRAPPC6A-related condition. Last evaluated: 2019-04-01. Review status: no assertion criteria provided. Collection method: clinical testing. Allele origin: germline.
Comment: This variant is classified as likely benign based on ACMG/AMP sequence variant interpretation guidelines (Richards et al. 2015 PMID: 25741868, with internal and published modifications).